The following is an entry in ClinVar:

ClinVar aggregate classification (germline): Uncertain significance. Review status: criteria provided, multiple submitters, no conflicts (2 of 4 stars). 13 submissions from 13 submitters: Uncertain significance (12). 1 of the submissions does not count toward it. Last evaluated 2025-12-21.

Conditions:
Prostate cancer. Also called: Malignant tumor of prostate. Identifiers: Orphanet 1331, MedGen C0376358, MONDO:0008315, HP:0012125.
Familial cancer of breast. Also called: BREAST CANCER, FAMILIAL; Hereditary breast cancer; hereditary breast carcinoma. Identifiers: Orphanet 227535, MedGen C0346153, MONDO:0016419, OMIM 114480. Disease mechanism: loss of function.
Bone osteosarcoma. Also called: Osteosarcoma, somatic. Identifiers: Orphanet 668, MedGen C0585442, MONDO:0002629, OMIM 259500.
Colorectal cancer. Also called: Colorectal cancer, somatic; Malignant Colorectal Neoplasm. Identifiers: MedGen C0346629, MONDO:0005575, OMIM 114500.
CHEK2-related cancer predisposition (TPDS4). Also called: TUMOR PREDISPOSITION SYNDROME 4; CANCER PREDISPOSITION SYNDROME, CHEK2-RELATED; CHEK2-related cancer susceptibility. Identifiers: Orphanet 524, MedGen C5882668, MONDO:0700271, OMIM 609265.
CHEK2-related disorder.
Hereditary cancer-predisposing syndrome. Also called: Hereditary Cancer Syndrome; Tumor predisposition; Hereditary neoplastic syndrome; Neoplastic Syndromes, Hereditary. Identifiers: Orphanet 140162, MedGen C0027672, MeSH D009386, MONDO:0015356.
Carcinoma of colon (CRC). Also called: Colonic carcinoma; Colon carcinoma. Identifiers: MedGen C0699790, MONDO:0002032.

Allele frequency attached by ClinVar (database versions not stated): TOPMed 0.00002; gnomAD 0.00001; gnomAD exomes 0.00001 and 0.00003; ExAC 0.00010.
gnomAD v4.1: 14 of 1,437,854 alleles (0.00097%); highest among the groups gnomAD compares: Middle Eastern, 0.035%; 1 homozygote.

Submissions 1 to 9 of 13:

Labcorp Genetics (formerly Invitae), Labcorp
Classification: Uncertain significance for Familial cancer of breast. Last evaluated: 2025-12-21. Review status: criteria provided, single submitter. Criteria: Invitae Variant Classification Sherloc (09022015). Collection method: clinical testing. Allele origin: germline.
Comment: This sequence change replaces glutamic acid, which is acidic and polar, with aspartic acid, which is acidic and polar, at codon 302 of the CHEK2 protein (p.Glu302Asp). This variant is present in population databases (rs587780190, gnomAD 0.007%). This missense change has been observed in individual(s) with CHEK2-related conditions (PMID: 29522266, 30613976, 31159747, 37449874). This variant is also known as c.1035A>C p.Glu345Asp. ClinVar contains an entry for this variant (Variation ID: 128087). An algorithm developed to predict the effect of missense changes on protein structure and function (PolyPhen-2) suggests that this variant is likely to be disruptive. Experimental studies are conflicting or provide insufficient evidence to determine the effect of this variant on CHEK2 function (PMID: 37449874). In summary, the available evidence is currently insufficient to determine the role of this variant in disease. Therefore, it has been classified as a Variant of Uncertain Significance.

Color Diagnostics, LLC DBA Color Health
Classification: Uncertain significance for Hereditary cancer-predisposing syndrome. Last evaluated: 2025-11-24. Review status: criteria provided, single submitter. Criteria: ACMG Guidelines, 2015. Collection method: clinical testing. Allele origin: germline.
Comment: This missense variant replaces glutamic acid with aspartic acid at codon 302 of the CHEK2 protein. Computational predictions are inconclusive regarding the impact of this variant on protein structure and function. Functional studies have reported intermediate defects in yeast complementation assay and kinase assays (PMID: 30851065, 37449874). This variant has been reported in at least two individuals affected with BRCA1/2-negative breast cancer case and male breast cancer (PMID: 29522266, 30613976, 37262986). This variant has been detected in a breast cancer case-control meta-analysis in 3/60466 cases and 3/53461 unaffected individuals (PMID: 33471991LOVD DB-ID CHEK2_000406). This variant has been identified in 14/1437854 chromosomes in the general population by the Genome Aggregation Database (gnomAD). The available evidence is insufficient to determine the role of this variant in disease conclusively. Therefore, this variant is classified as a Variant of Uncertain Significance.

Women's Health and Genetics/Laboratory Corporation of America, LabCorp
Classification: Uncertain significance. Last evaluated: 2025-07-08. Review status: criteria provided, single submitter. Criteria: LabCorp Variant Classification Summary - May 2015. Collection method: clinical testing. Allele origin: germline.
Comment: Variant summary: CHEK2 c.906A>C (p.Glu302Asp) results in a conservative amino acid change in the encoded protein sequence. Algorithms developed to predict the effect of missense changes on protein structure and function are either unavailable or do not agree on the potential impact of this missense change. Consensus agreement among computation tools predict no significant impact on normal splicing. However, these predictions have yet to be confirmed by functional studies. The variant allele was found at a frequency of 3e-05 in 202734 control chromosomes. c.906A>C has been observed in individual(s) affected with various cancers, without strong evidence for causality (example, Tsaousis_2019, Rizzolo_2019, Bucalo_2023, Quezada_2018, Marks_2021, Rocca_2024, Hauke_2018). These report(s) do not provide unequivocal conclusions about association of the variant with CHEK2-related conditions. At least one publication reports experimental evidence evaluating an impact on protein function. The most pronounced variant effect results in 10%-<30% of normal activity in an in vitro KAP1 phosphorylation assay (example, Stolarova_2023). In another study, yeast growth was slightly (but not significantly) reduced in the presence of this variant when cells were treated with a DNA-damaging agent (Delimitsou_2019). The following publications have been ascertained in the context of this evaluation (PMID: 37262986, 30613976, 31159747, 30851065, 35643632, 37725924, 32906215, 31658756, 37449874, 38115798, 39594831, 30262796, 33298767, 39590369, 34326862, 29522266). ClinVar contains an entry for this variant (Variation ID: 128087). Based on the evidence outlined above, the variant was classified as VUS-possibly pathogenic.

Center for Genomic Medicine, Rigshospitalet, Copenhagen University Hospital
Classification: Uncertain significance. Last evaluated: 2025-03-04. Review status: criteria provided, single submitter. Criteria: ACMG Guidelines, 2015. Collection method: clinical testing. Allele origin: germline.

Ambry Genetics
Classification: Uncertain significance for Hereditary cancer-predisposing syndrome. Last evaluated: 2024-12-17. Review status: criteria provided, single submitter. Criteria: Ambry Variant Classification Scheme 2023. Collection method: clinical testing. Allele origin: germline.
Comment: The p.E302D variant (also known as c.906A>C), located in coding exon 7 of the CHEK2 gene, results from an A to C substitution at nucleotide position 906. The glutamic acid at codon 302 is replaced by aspartic acid, an amino acid with highly similar properties. This alteration was detected in 1/5589 German BRCA1/2-negative probands diagnosed with breast cancer (Hauke J et al. Cancer Med, 2018 Apr;7:1349-1358). This alteration behaved as semi-functional in an in vivo, yeast-based growth rate assay (Delimitsou A et al. Hum Mutat, 2019 05;40:631-648). This alteration has also been reported in 2/1197 individuals from Greece, Romania, and Turkey undergoing evaluation for inherited cancer predisposition (Tsaousis GN et al. BMC Cancer, 2019 Jun;19:535). This amino acid position is highly conserved in available vertebrate species. In addition, the in silico prediction for this alteration is inconclusive. Based on the available evidence, the clinical significance of this variant remains unclear.

Quest Diagnostics Nichols Institute San Juan Capistrano
Classification: Uncertain significance. Last evaluated: 2024-04-05. Review status: criteria provided, single submitter. Criteria: Quest Diagnostics criteria. Collection method: clinical testing. Allele origin: unknown.
Comment: The CHEK2 c.906A>C (p.Glu302Asp) variant has been reported in the published literature in individuals with breast and/or ovarian cancer (PMIDs: 30613976 (2019), 29522266 (2018)) and colorectal cancer (PMID: 33298767 (2021)). A yeast-based functional study indicates this variant has an intermediate impact on CHEK2 DNA repair activity (PMID: 30851065 (2019)). The frequency of this variant in the general population, 0.000059 (6/101258 chromosomes (Genome Aggregation Database)), is uninformative in the assessment of its pathogenicity. Analysis of this variant using bioinformatics tools for the prediction of the effect of amino acid changes on protein structure and function yielded predictions that this variant is damaging. Based on the available information, we are unable to determine the clinical significance of this variant.

Baylor Genetics
Classification: Uncertain significance for Familial cancer of breast. Last evaluated: 2024-03-10. Review status: criteria provided, single submitter. Criteria: ACMG Guidelines, 2015. Collection method: clinical testing. Allele origin: unknown.

Blueprint Genetics
Classification: Uncertain significance. Last evaluated: 2023-11-30. Review status: criteria provided, single submitter. Criteria: ACMG Guidelines, 2015. Collection method: clinical testing. Allele origin: germline.

PreventionGenetics, part of Exact Sciences
Classification: Uncertain significance for CHEK2-related condition. Last evaluated: 2023-02-08. Review status: criteria provided, single submitter. Criteria: ACMG Guidelines, 2015. Collection method: clinical testing. Allele origin: germline.
Comment: The CHEK2 c.906A>C variant is predicted to result in the amino acid substitution p.Glu302Asp. Experimental studies using a yeast-based system suggest this variant is semi-functional (Table 1, Delimitsou et al. 2019. PubMed ID: 30851065). This variant is reported in 0.0067% of alleles in individuals of Latino descent in gnomAD and is interpreted as uncertain significance in ClinVar. At this time, the clinical significance of this variant is uncertain due to the absence of conclusive functional and genetic evidence.

NM_007194.4(CHEK2):c.906A>C (p.Glu302Asp)

Gene: CHEK2 (checkpoint kinase 2; minus strand). Cytogenetic location: 22q12.1.
Variant type: single nucleotide variant.
Coding change: c.906A>C on transcript NM_007194.4 (MANE Select); coding-DNA position 906, A replaced by C.
Protein change: p.Glu302Asp; replaces glutamic acid 302 with aspartic acid.
Molecular consequence: missense variant.
Genome position (GRCh38, 1-based): chr22:28,703,507, T>G on the plus strand (A>C on the coding strand, the complement: CHEK2 is on the minus strand). VCF-style: chr22-28703507-T-G. GRCh37 (hg19) VCF-style: chr22-29099495-T-G.
Other names: p.E302D:GAA>GAC; c.1035A>C, p.Glu345Asp (NM_001005735.3); c.243A>C, p.Glu81Asp (NM_001257387.3); c.705A>C, p.Glu235Asp (NM_001349956.3); c.906A>C, p.Glu302Asp (NM_145862.3); short protein forms E302D, E235D, E81D, E345D.
Identifiers: ClinVar variation 128087 (VCV000128087.47), dbSNP rs587780190, ClinGen allele CA288327.